The following is an entry in ClinVar:

NM_203288.2(RP9):c.320G>A (p.Arg107His)

Gene: RP9 (RP9 pre-mRNA splicing factor; minus strand). Cytogenetic location: 7p14.3.
Variant type: single nucleotide variant.
Coding change: c.320G>A on transcript NM_203288.2 (MANE Select); coding-DNA position 320, G replaced by A.
Protein change: p.Arg107His; replaces arginine 107 with histidine.
Molecular consequence: missense variant.
Genome position (GRCh38, 1-based): chr7:33,097,356, C>T on the plus strand (G>A on the coding strand, the complement: RP9 is on the minus strand). VCF-style: chr7-33097356-C-T. GRCh37 (hg19) VCF-style: chr7-33136968-C-T.
Other names: short protein forms R107H.
Identifiers: ClinVar variation 3619029 (VCV003619029.2).
Genomic context (GRCh38, chr7:33,097,356, plus strand): 5'-TTGCCTTTGATAAAGAAAGGGCATTCTTTGTCACCCGTTCGGTGACCATAGCGTTTGCAA[C>T]GCCAACCTAAAAACGAAAAGAGAAATATTTCTGTAAGATAACAGTTTCACCTACTCAAGA-3'
Protein context (NP_976033.1, residues 97-117): GKEVKVMQCW[Arg107His]CKRYGHRTGD

ClinVar aggregate classification (germline): Uncertain significance (1 of 4 stars; one submission).

gnomAD v4.1: 5 of 1,612,108 alleles (0.00031%); highest among the groups gnomAD compares: Admixed American, 0.0017%; no homozygotes.

Submission:

Labcorp Genetics (formerly Invitae), Labcorp
Classification: Uncertain significance. Last evaluated: 2024-09-11. Review status: criteria provided, single submitter. Criteria: Invitae Variant Classification Sherloc (09022015). Collection method: clinical testing. Allele origin: germline.
Comment: This sequence change replaces arginine, which is basic and polar, with histidine, which is basic and polar, at codon 107 of the RP9 protein (p.Arg107His). The frequency data for this variant in the population databases is considered unreliable, as metrics indicate poor data quality at this position in the gnomAD database. This variant has not been reported in the literature in individuals affected with RP9-related conditions. An algorithm developed to predict the effect of missense changes on protein structure and function (PolyPhen-2) suggests that this variant is likely to be tolerated. In summary, the available evidence is currently insufficient to determine the role of this variant in disease. Therefore, it has been classified as a Variant of Uncertain Significance.